The following is an entry in ClinVar:

NM_000566.4(FCGR1A):c.1013T>C (p.Ile338Thr)

Genes: FCGR1A (Fc gamma receptor Ia; plus strand), H2BC18 (H2B clustered histone 18; minus strand). Cytogenetic location: 1q21.2.
Variant type: single nucleotide variant.
Coding change: c.1013T>C on transcript NM_000566.4 (MANE Select); coding-DNA position 1013, T replaced by C.
Protein change: p.Ile338Thr; replaces isoleucine 338 with threonine.
Molecular consequence: missense variant. On other transcripts: non-coding transcript variant (3), intron variant (1).
Genome position (GRCh38, 1-based): chr1:149,791,405, T>C. VCF-style: chr1-149791405-T-C. GRCh37 (hg19) VCF-style: chr1-149762961-T-C.
Other names: c.1016T>C, p.Ile339Thr (NM_001378804.1); c.992T>C, p.Ile331Thr (NM_001378805.1); c.962T>C, p.Ile321Thr (NM_001378806.1); c.944T>C, p.Ile315Thr (NM_001378807.1); c.761T>C, p.Ile254Thr (NM_001378808.1); c.758T>C, p.Ile253Thr (NM_001378809.1); c.737T>C, p.Ile246Thr (NM_001378810.1); c.686T>C, p.Ile229Thr (NM_001378811.1); and 1 more; short protein forms I229T, I246T, I253T, I254T, I315T, I321T, I331T, I338T.
Identifiers: ClinVar variation 1285171 (VCV001285171.26), dbSNP rs1050208, ClinGen allele CA1069711.

ClinVar aggregate classification (germline): Likely benign. Review status: criteria provided, multiple submitters, no conflicts (2 of 4 stars). 4 submissions from 4 submitters: Likely benign (2). 2 of the submissions do not count toward it. Last evaluated 2026-03-01.

Allele frequency attached by ClinVar (database versions not stated): TOPMed 0.00333; gnomAD exomes 0.00418 and 0.00430; ExAC 0.00426; gnomAD 0.00372 and 0.00359; 1000 Genomes Project 0.00260; 1000 Genomes Project 30x 0.00265; ESP Exome Variant Server 0.00393.
gnomAD v4.1: 6,787 of 1,599,558 alleles (0.42%); highest among the groups gnomAD compares: Non-Finnish European, 0.46%; 326 homozygotes.

Submissions (4):

CeGaT Center for Human Genetics Tuebingen
Classification: Likely benign. Last evaluated: 2026-03-01. Review status: criteria provided, single submitter. Criteria: CeGaT Center For Human Genetics Tuebingen Variant Classification Criteria Version 2. Collection method: clinical testing. Allele origin: germline. Affected: yes. Observed: 5 variant alleles.
Comment: FCGR1A: PP2, BP4, BS2

Breakthrough Genomics
Classification: Likely benign. Review status: criteria provided, single submitter. Criteria: ACMG Guidelines, 2015. Collection method: not provided. Allele origin: germline. Inheritance: Unknown mechanism. Affected: yes.

Clinical Genetics DNA and cytogenetics Diagnostics Lab, Erasmus MC, Erasmus Medical Center
Classification: Likely benign. Review status: no assertion criteria provided. Collection method: clinical testing. Allele origin: germline. Affected: yes. Study: VKGL Data-share Consensus. Not counted in ClinVar's aggregate classification.

Genome Diagnostics Laboratory, University Medical Center Utrecht
Classification: Benign. Review status: no assertion criteria provided. Collection method: clinical testing. Allele origin: germline. Affected: yes. Study: VKGL Data-share Consensus. Not counted in ClinVar's aggregate classification.